The following is an entry in ClinVar:

ClinVar aggregate classification (germline): Uncertain significance (1 of 4 stars; one submission).

Conditions:
Generalized epilepsy-paroxysmal dyskinesia syndrome (PNKD3). Also called: Generalized epilepsy and paroxysmal dyskinesia; Paroxysmal nonkinesigenic dyskinesia, 3, with or without generalized epilepsy. Identifiers: Orphanet 79137, MedGen C5574945, MONDO:0012276, OMIM 609446.

Submission:

Labcorp Genetics (formerly Invitae), Labcorp
Classification: Uncertain significance for Generalized epilepsy-paroxysmal dyskinesia syndrome. Last evaluated: 2025-05-26. Review status: criteria provided, single submitter. Criteria: Invitae Variant Classification Sherloc (09022015). Collection method: clinical testing. Allele origin: germline.
Comment: This sequence change replaces threonine, which is neutral and polar, with alanine, which is neutral and non-polar, at codon 116 of the KCNMA1 protein (p.Thr116Ala). This variant is not present in population databases (gnomAD no frequency). This variant has not been reported in the literature in individuals affected with KCNMA1-related conditions. An algorithm developed to predict the effect of missense changes on protein structure and function (PolyPhen-2) suggests that this variant is likely to be disruptive. In summary, the available evidence is currently insufficient to determine the role of this variant in disease. Therefore, it has been classified as a Variant of Uncertain Significance.

NM_001161352.2(KCNMA1):c.346A>G (p.Thr116Ala)

Gene: KCNMA1 (potassium calcium-activated channel subfamily M alpha 1; minus strand). Cytogenetic location: 10q22.3.
Variant type: single nucleotide variant.
Coding change: c.346A>G on transcript NM_001161352.2 (MANE Select); coding-DNA position 346, A replaced by G.
Protein change: p.Thr116Ala; replaces threonine 116 with alanine.
Molecular consequence: missense variant.
Genome position (GRCh38, 1-based): chr10:77,637,297, T>C on the plus strand (A>G on the coding strand, the complement: KCNMA1 is on the minus strand). VCF-style: chr10-77637297-T-C. GRCh37 (hg19) VCF-style: chr10-79397055-T-C.
Other names: c.346A>G, p.Thr116Ala (NM_001014797.3, NM_001161353.2, NM_001271518.2 and 15 more transcripts); short protein forms T116A.
Identifiers: ClinVar variation 4804919 (VCV004804919.1).